The following is an entry in ClinVar:

ClinVar aggregate classification (germline): Likely pathogenic (1 of 4 stars; one submission).

Conditions:
WDR62-related disorder. Also called: WDR62-related condition.

Submission:

Rady Children's Institute for Genomic Medicine, Rady Children's Hospital San Diego
Classification: Likely pathogenic for WDR62 Related Disorder. Review status: criteria provided, single submitter. Criteria: ACMG Guidelines, 2015. Collection method: clinical testing. Allele origin: germline. Affected: yes.
Comment: This variant has not been previously reported or functionally characterized in the literature to our knowledge. It is absent from the gnomAD population database and thus is presumed to be rare. Multiple splice prediction tools suggest this variant is likely to interfere with normal splicing. Pathogenic variants that disrupt splice sites and cause loss of function of WDR62 are a known disease mechanism for this gene (PMID: 20890278, 25525159, 30706430). Based on the available evidence, the c.2867+2_2867+3del variant is classified as Likely Pathogenic.

NM_001083961.2(WDR62):c.2867+2_2867+3del

Gene: WDR62 (WD repeat domain 62; plus strand). Cytogenetic location: 19q13.12.
Variant type: Deletion.
Coding change: c.2867+2_2867+3del on transcript NM_001083961.2 (MANE Select); the canonical splice donor site of the intron after coding-DNA position 2867 through 3 bases into the intron after coding-DNA position 2867, 2 bases deleted (TG; older notation c.2867+2_2867+3delTG).
Molecular consequence: splice donor variant.
Genome position (GRCh38, 1-based): chr19:36,100,877-36,100,878, TG deleted; deleting any 2 consecutive bases within chr19:36,100,876-36,100,878 gives the same sequence; the c. name uses the placement nearest the transcript's 3' end. VCF-style (leftmost placement, unchanged base first): chr19-36100875-GGT-G. GRCh37 (hg19) VCF-style: chr19-36591777-GGT-G.
Other names: c.2867+2_2867+3del (NM_173636.5, NM_001411146.1); c.2852+2_2852+3del (NM_001411145.1); c.2516+2_2516+3del (NM_001411147.1).
Identifiers: ClinVar variation 2584407 (VCV002584407.1), dbSNP rs2513744398, ClinGen allele CA2576761851.